The following is an entry in ClinVar:

ClinVar aggregate classification (germline): Conflicting classifications of pathogenicity. Review status: criteria provided, conflicting classifications (1 of 4 stars). 3 submissions from 3 submitters: Uncertain significance (2); Likely benign (1). Last evaluated 2025-12-10.

Conditions:
Colorectal cancer, susceptibility to, 1. Also called: COLORECTAL ADENOMA AND CANCER, SUSCEPTIBILITY TO; COLORECTAL CANCER, SUSCEPTIBILITY TO, ON CHROMOSOME 9. Identifiers: MedGen C1837315, MONDO:0012132, OMIM 608812.

Allele frequency attached by ClinVar (database versions not stated): gnomAD 0.00001 and 0.00003; TOPMed 0.00001; gnomAD exomes 0.00003; ESP Exome Variant Server 0.00008; ExAC 0.00009.
gnomAD v4.1: 52 of 1,612,078 alleles (0.0032%); highest among the groups gnomAD compares: South Asian, 0.035%; 2 homozygotes.

Submissions (3):

Labcorp Genetics (formerly Invitae), Labcorp
Classification: Uncertain significance. Last evaluated: 2025-12-10. Review status: criteria provided, single submitter. Criteria: Invitae Variant Classification Sherloc (09022015). Collection method: clinical testing. Allele origin: germline.
Comment: This sequence change replaces asparagine, which is neutral and polar, with lysine, which is basic and polar, at codon 203 of the GALNT12 protein (p.Asn203Lys). This variant is present in population databases (rs370024536, gnomAD 0.02%). This variant has not been reported in the literature in individuals affected with GALNT12-related conditions. ClinVar contains an entry for this variant (Variation ID: 485655). Invitae Evidence Modeling of protein sequence and biophysical properties (such as structural, functional, and spatial information, amino acid conservation, physicochemical variation, residue mobility, and thermodynamic stability) indicates that this missense variant is not expected to disrupt GALNT12 protein function with a negative predictive value of 80%. In summary, the available evidence is currently insufficient to determine the role of this variant in disease. Therefore, it has been classified as a Variant of Uncertain Significance.

Ambry Genetics
Classification: Likely benign. Last evaluated: 2024-03-26. Review status: criteria provided, single submitter. Criteria: Ambry Variant Classification Scheme 2023. Collection method: clinical testing. Allele origin: germline.

Fulgent Genetics
Classification: Uncertain significance for Colorectal cancer, susceptibility to, 1. Last evaluated: 2018-10-31. Review status: criteria provided, single submitter. Criteria: ACMG Guidelines, 2015. Collection method: clinical testing. Allele origin: unknown.

NM_024642.5(GALNT12):c.609C>A (p.Asn203Lys)

Gene: GALNT12 (polypeptide N-acetylgalactosaminyltransferase 12; plus strand). Cytogenetic location: 9q22.33.
Variant type: single nucleotide variant.
Coding change: c.609C>A on transcript NM_024642.5 (MANE Select); coding-DNA position 609, C replaced by A.
Protein change: p.Asn203Lys; replaces asparagine 203 with lysine.
Molecular consequence: missense variant.
Genome position (GRCh38, 1-based): chr9:98,826,819, C>A. VCF-style: chr9-98826819-C-A. GRCh37 (hg19) VCF-style: chr9-101589101-C-A.
Other names: short protein forms N203K.
Identifiers: ClinVar variation 485655 (VCV000485655.13), dbSNP rs370024536, ClinGen allele CA5154003.